The following is an entry in ClinVar:

ClinVar aggregate classification (germline): Uncertain significance (1 of 4 stars; one submission).

Conditions:
Encephalopathy, acute, infection-induced (herpes-specific), susceptibility to, 1. Also called: Herpes simplex encephalitis, susceptibility to, 1. Identifiers: Orphanet 1930, MedGen C2750180, MONDO:0024563, OMIM 610551.

Allele frequency attached by ClinVar (database versions not stated): gnomAD 0.00003 and 0.00004; ExAC 0.00005; TOPMed 0.00005; gnomAD exomes 0.00002 and 0.00005.
gnomAD v4.1: 79 of 1,614,022 alleles (0.0049%); highest among the groups gnomAD compares: Non-Finnish European, 0.0062%; no homozygotes.

Submission:

Labcorp Genetics (formerly Invitae), Labcorp
Classification: Uncertain significance for Encephalopathy, acute, infection-induced (herpes-specific), susceptibility to, 1. Last evaluated: 2025-12-11. Review status: criteria provided, single submitter. Criteria: Invitae Variant Classification Sherloc (09022015). Collection method: clinical testing. Allele origin: germline.
Comment: This sequence change replaces alanine, which is neutral and non-polar, with threonine, which is neutral and polar, at codon 491 of the TLR3 protein (p.Ala491Thr). This variant is present in population databases (rs745682135, gnomAD 0.004%). This variant has not been reported in the literature in individuals affected with TLR3-related conditions. ClinVar contains an entry for this variant (Variation ID: 571537). An algorithm developed to predict the effect of missense changes on protein structure and function (PolyPhen-2) suggests that this variant is likely to be tolerated. In summary, the available evidence is currently insufficient to determine the role of this variant in disease. Therefore, it has been classified as a Variant of Uncertain Significance.

NM_003265.3(TLR3):c.1471G>A (p.Ala491Thr)

Gene: TLR3 (toll like receptor 3; plus strand). Cytogenetic location: 4q35.1.
Variant type: single nucleotide variant.
Coding change: c.1471G>A on transcript NM_003265.3 (MANE Select); coding-DNA position 1471, G replaced by A.
Protein change: p.Ala491Thr; replaces alanine 491 with threonine.
Molecular consequence: missense variant.
Genome position (GRCh38, 1-based): chr4:186,083,157, G>A. VCF-style: chr4-186083157-G-A. GRCh37 (hg19) VCF-style: chr4-187004311-G-A.
Other names: short protein forms A491T.
Identifiers: ClinVar variation 571537 (VCV000571537.9), dbSNP rs745682135, ClinGen allele CA3161415.